The following is an entry in ClinVar:

ClinVar aggregate classification (germline): Benign (1 of 4 stars; one submission).

Submission:

GeneDx
Classification: Benign. Last evaluated: 2018-06-14. Review status: criteria provided, single submitter. Criteria: GeneDx Variant Classification (06012015). Collection method: clinical testing. Allele origin: germline. Affected: yes.
Comment: This variant is considered likely benign or benign based on one or more of the following criteria: it is a conservative change, it occurs at a poorly conserved position in the protein, it is predicted to be benign by multiple in silico algorithms, and/or has population frequency not consistent with disease.

NM_001166114.2(PNPLA6):c.3398-114TC[5]

Gene: PNPLA6 (patatin like phospholipase domain containing 6; plus strand). Cytogenetic location: 19p13.2.
Variant type: Microsatellite.
Coding change: c.3398-114TC[5] on transcript NM_001166114.2 (MANE Select); five copies in a row of the 2-base unit TC starting at c.3398-114.
Molecular consequence: intron variant.
Genome position: GRCh38 VCF-style: chr19-7558735-T-TTCTC. GRCh37 (hg19) VCF-style: chr19-7623621-T-TTCTC.
Other names: c.3284-114TC[5] (NM_006702.5, NM_001166113.1); c.3203-114TC[5] (NM_001166112.2); c.3428-114TC[5] (NM_001166111.2).
Identifiers: ClinVar variation 667947 (VCV000667947.1), dbSNP rs147968677, ClinGen allele CA304882343.